The following is an entry in ClinVar:

NM_000748.3(CHRNB2):c.970C>T (p.Arg324Cys)

Gene: CHRNB2 (cholinergic receptor nicotinic beta 2 subunit; plus strand). Cytogenetic location: 1q21.3.
Variant type: single nucleotide variant.
Coding change: c.970C>T on transcript NM_000748.3 (MANE Select); coding-DNA position 970, C replaced by T.
Protein change: p.Arg324Cys; replaces arginine 324 with cysteine.
Molecular consequence: missense variant.
Genome position (GRCh38, 1-based): chr1:154,571,793, C>T. VCF-style: chr1-154571793-C-T. GRCh37 (hg19) VCF-style: chr1-154544269-C-T.
Other names: short protein forms R324C.
Identifiers: ClinVar variation 2757446 (VCV002757446.3), dbSNP rs922070092, ClinGen allele CA30834752.

ClinVar aggregate classification (germline): Uncertain significance (1 of 4 stars; one submission).

Conditions:
Familial sleep-related hypermotor epilepsy. Also called: Autosomal Dominant Sleep-Related Hypermotor (Hyperkinetic) Epilepsy. Identifiers: Orphanet 98784, MedGen C3696898, MONDO:0000030.

Allele frequency attached by ClinVar (database versions not stated): gnomAD exomes below 0.00001.

Submission:

Labcorp Genetics (formerly Invitae), Labcorp
Classification: Uncertain significance. Last evaluated: 2023-12-02. Review status: criteria provided, single submitter. Criteria: Invitae Variant Classification Sherloc (09022015). Collection method: clinical testing. Allele origin: germline.
Comment: This sequence change replaces arginine, which is basic and polar, with cysteine, which is neutral and slightly polar, at codon 324 of the CHRNB2 protein (p.Arg324Cys). This variant is present in population databases (no rsID available, gnomAD 0.0009%). This variant has not been reported in the literature in individuals affected with CHRNB2-related conditions. Advanced modeling of protein sequence and biophysical properties (such as structural, functional, and spatial information, amino acid conservation, physicochemical variation, residue mobility, and thermodynamic stability) performed at Invitae indicates that this missense variant is expected to disrupt CHRNB2 protein function with a positive predictive value of 80%. In summary, the available evidence is currently insufficient to determine the role of this variant in disease. Therefore, it has been classified as a Variant of Uncertain Significance.